The following is an entry in ClinVar:

NM_005546.4(ITK):c.1133A>G (p.His378Arg)

Gene: ITK (IL2 inducible T cell kinase; plus strand). Cytogenetic location: 5q33.3.
Variant type: single nucleotide variant.
Coding change: c.1133A>G on transcript NM_005546.4 (MANE Select); coding-DNA position 1133, A replaced by G.
Protein change: p.His378Arg; replaces histidine 378 with arginine.
Molecular consequence: missense variant.
Genome position (GRCh38, 1-based): chr5:157,243,695, A>G. VCF-style: chr5-157243695-A-G. GRCh37 (hg19) VCF-style: chr5-156670705-A-G.
Other names: short protein forms H378R.
Identifiers: ClinVar variation 3016758 (VCV003016758.2), dbSNP rs751053755, ClinGen allele CA3533010.

ClinVar aggregate classification (germline): Uncertain significance. Review status: criteria provided, multiple submitters, no conflicts (2 of 4 stars). 2 submissions from 2 submitters: Uncertain significance (2). Last evaluated 2024-03-01.

Conditions:
Inborn genetic diseases. Identifiers: MedGen C0950123, MeSH D030342.
Lymphoproliferative syndrome 1 (LPFS1). Identifiers: Orphanet 238505, Orphanet 538963, MedGen C3552634, MONDO:0013081, OMIM 613011.

Allele frequency attached by ClinVar (database versions not stated): gnomAD exomes below 0.00001; ExAC 0.00001; gnomAD 0.00003; TOPMed 0.00006.
gnomAD v4.1: 12 of 1,613,738 alleles (0.00074%); highest among the groups gnomAD compares: Admixed American, 0.005%; no homozygotes.

Submissions (2):

Ambry Genetics
Classification: Uncertain significance for Inborn genetic diseases. Last evaluated: 2024-03-01. Review status: criteria provided, single submitter. Criteria: Ambry Variant Classification Scheme 2023. Collection method: clinical testing. Allele origin: germline.

Labcorp Genetics (formerly Invitae), Labcorp
Classification: Uncertain significance for Lymphoproliferative syndrome 1. Last evaluated: 2023-12-11. Review status: criteria provided, single submitter. Criteria: Invitae Variant Classification Sherloc (09022015). Collection method: clinical testing. Allele origin: germline.
Comment: This sequence change replaces histidine, which is basic and polar, with arginine, which is basic and polar, at codon 378 of the ITK protein (p.His378Arg). This variant is present in population databases (rs751053755, gnomAD 0.003%). This variant has not been reported in the literature in individuals affected with ITK-related conditions. Advanced modeling of protein sequence and biophysical properties (such as structural, functional, and spatial information, amino acid conservation, physicochemical variation, residue mobility, and thermodynamic stability) performed at Invitae indicates that this missense variant is not expected to disrupt ITK protein function with a negative predictive value of 80%. In summary, the available evidence is currently insufficient to determine the role of this variant in disease. Therefore, it has been classified as a Variant of Uncertain Significance.